The following is an entry in ClinVar:

ClinVar aggregate classification (germline): Pathogenic. Review status: criteria provided, multiple submitters, no conflicts (2 of 4 stars). 3 submissions from 3 submitters: Pathogenic (3). Last evaluated 2026-10-22.

Conditions:
Hereditary cancer-predisposing syndrome. Also called: Hereditary Cancer Syndrome; Hereditary neoplastic syndrome; Neoplastic Syndromes, Hereditary; Tumor predisposition. Identifiers: Orphanet 140162, MedGen C0027672, MeSH D009386, MONDO:0015356.
Birt-Hogg-Dube syndrome. Also called: Birt Hogg Dubé syndrome. Identifiers: Orphanet 122, MedGen C0346010, MONDO:0800444.
Birt-Hogg-Dube syndrome 1 (BHD1). Also called: FIBROFOLLICULOMAS WITH TRICHODISCOMAS AND ACROCHORDONS. Identifiers: Orphanet 122, MedGen CN375946, MONDO:0800445, OMIM 135150.

Allele frequency attached by ClinVar (database versions not stated): gnomAD exomes below 0.00001.

Submissions (3):

Department of Medical Genetics, Hatay Education and Research Hospital
Classification: Pathogenic for Birt-Hogg-Dube syndrome 1. Last evaluated: 2026-10-22. Review status: criteria provided, single submitter. Criteria: ACMG Guidelines, 2015. Collection method: clinical testing. Allele origin: germline. Affected: yes. Observed: 10 variant alleles.
Comment: The c.1213dup (p.Tyr405Leufs*51) variant in the FLCN gene (NM_144997.7) causes a frameshift that introduces a premature termination codon, predicted to result in nonsense-mediated mRNA decay or a severely truncated protein (PVS1). This variant is extremely rare/absent in large control population databases such as gnoMAD (PM2_Supporting). This variant has previously been reported in ClinVar (Variation ID: 428651) as a pathogenic/likely pathogenic assertion for Birt-Hogg-Dubé syndrome. Based on the ACMG/AMP guidelines and our clinical findings across multiple BHD-compatible cases, this variant is classified as Pathogenic.

Labcorp Genetics (formerly Invitae), Labcorp
Classification: Pathogenic for Birt-Hogg-Dube syndrome. Last evaluated: 2022-11-24. Review status: criteria provided, single submitter. Criteria: Invitae Variant Classification Sherloc (09022015). Collection method: clinical testing. Allele origin: germline.
Comment: Algorithms developed to predict the effect of sequence changes on RNA splicing suggest that this variant may create or strengthen a splice site. This sequence change creates a premature translational stop signal (p.Tyr405Leufs*51) in the FLCN gene. It is expected to result in an absent or disrupted protein product. Loss-of-function variants in FLCN are known to be pathogenic (PMID: 15852235). This variant is not present in population databases (gnomAD no frequency). This variant has not been reported in the literature in individuals affected with FLCN-related conditions. ClinVar contains an entry for this variant (Variation ID: 428651). For these reasons, this variant has been classified as Pathogenic.

Ambry Genetics
Classification: Pathogenic for Hereditary cancer-predisposing syndrome. Last evaluated: 2019-09-17. Review status: criteria provided, single submitter. Criteria: Ambry Variant Classification Scheme 2023. Collection method: clinical testing. Allele origin: germline.
Comment: The c.1213dupT pathogenic mutation, located in coding exon 8 of the FLCN gene, results from a duplication of T at nucleotide position 1213, causing a translational frameshift with a predicted alternate stop codon (p.Y405Lfs*51). This alteration is expected to result in loss of function by premature protein truncation or nonsense-mediated mRNA decay. As such, this alteration is interpreted as a disease-causing mutation.

Literature cited by the submitters: PubMed 15852235 (cited by Labcorp Genetics (formerly Invitae), Labcorp).

NM_144997.7(FLCN):c.1213dup (p.Tyr405fs)

Gene: FLCN (folliculin; minus strand). Cytogenetic location: 17p11.2.
Variant type: Duplication.
Coding change: c.1213dup on transcript NM_144997.7 (MANE Select); coding-DNA position 1213, one base duplicated (T; older notation c.1213dupT).
Protein change: p.Tyr405fs; shifts the reading frame from tyrosine 405.
Molecular consequence: frameshift variant.
Genome position (GRCh38, 1-based): chr17:17,216,467, A duplicated on the plus strand (T on the coding strand, the reverse complement: FLCN is on the minus strand). VCF-style (leftmost placement, unchanged base first): chr17-17216466-T-TA. GRCh37 (hg19) VCF-style: chr17-17119780-T-TA.
Other names: c.1267dup, p.Tyr423fs (NM_001353229.2); c.1213dup, p.Tyr405fs (NM_001353230.2, NM_001353231.2); c.1213dupT (NM_144997.5); c.1213dup (LRG_325t1); short protein forms Y405fs, Y423fs.
Identifiers: ClinVar variation 428651 (VCV000428651.12), dbSNP rs1131690837, ClinGen allele CA645369714.